The following is an entry in ClinVar:

NM_004766.3(COPB2):c.525G>A (p.Ser175=)

Gene: COPB2 (coat protein complex I subunit beta 2; minus strand). Cytogenetic location: 3q23.
Variant type: single nucleotide variant.
Coding change: c.525G>A on transcript NM_004766.3 (MANE Select); coding-DNA position 525, G replaced by A.
Protein change: p.Ser175=; no amino-acid change (serine 175 retained).
Molecular consequence: synonymous variant. On other transcripts: non-coding transcript variant (1).
Genome position (GRCh38, 1-based): chr3:139,375,594, C>T on the plus strand (G>A on the coding strand, the complement: COPB2 is on the minus strand). VCF-style: chr3-139375594-C-T. GRCh37 (hg19) VCF-style: chr3-139094436-C-T.
Other names: c.438G>A, p.Ser146= (NM_001410834.1).
Identifiers: ClinVar variation 3352042 (VCV003352042.2).

ClinVar aggregate classification (germline): Likely benign. Review status: criteria provided, single submitter (1 of 4 stars). 2 submissions from 2 submitters: Likely benign (1). 1 of the submissions does not count toward it. Last evaluated 2025-06-16.

Conditions:
COPB2-related disorder. Also called: COPB2-related condition.

gnomAD v4.1: 45 of 1,613,724 alleles (0.0028%); highest among the groups gnomAD compares: Middle Eastern, 0.016%; no homozygotes.

Submissions (2):

Labcorp Genetics (formerly Invitae), Labcorp
Classification: Likely benign. Last evaluated: 2025-06-16. Review status: criteria provided, single submitter. Criteria: Invitae Variant Classification Sherloc (09022015). Collection method: clinical testing. Allele origin: germline.

PreventionGenetics, part of Exact Sciences
Classification: Likely benign for COPB2-related condition. Last evaluated: 2019-06-27. Review status: no assertion criteria provided. Collection method: clinical testing. Allele origin: germline. Not counted in ClinVar's aggregate classification.
Comment: This variant is classified as likely benign based on ACMG/AMP sequence variant interpretation guidelines (Richards et al. 2015 PMID: 25741868, with internal and published modifications).